The following is an entry in ClinVar:

NM_001128840.3(CACNA1D):c.3955C>T (p.Arg1319Cys)

Gene: CACNA1D (calcium voltage-gated channel subunit alpha1 D; plus strand). Cytogenetic location: 3p21.1.
Variant type: single nucleotide variant.
Coding change: c.3955C>T on transcript NM_001128840.3 (MANE Select); coding-DNA position 3955, C replaced by T.
Protein change: p.Arg1319Cys; replaces arginine 1319 with cysteine.
Molecular consequence: missense variant.
Genome position (GRCh38, 1-based): chr3:53,770,463, C>T. VCF-style: chr3-53770463-C-T. GRCh37 (hg19) VCF-style: chr3-53804490-C-T.
Other names: c.4015C>T, p.Arg1339Cys (NM_000720.4); c.3910C>T, p.Arg1304Cys (NM_001128839.3); short protein forms R1304C, R1319C, R1339C.
Identifiers: ClinVar variation 4759487 (VCV004759487.1).
Genomic context (GRCh38, chr3:53,770,463, plus strand): 5'-CTCTCCATGATAACCCTTCAGAACTCTGAAGAGAGCAATAGAATCTCCATCACCTTTTTC[C>T]GTCTTTTCCGAGTGATGCGATTGGTGAAGCTTCTCAGCAGGGGGGAAGGCATCCGGACAT-3'
Protein context (NP_001122312.1, residues 1309-1329): ESNRISITFF[Arg1319Cys]LFRVMRLVKL

ClinVar aggregate classification (germline): Uncertain significance (1 of 4 stars; one submission).

Conditions:
Aldosterone-producing adenoma with seizures and neurological abnormalities. Also called: Primary aldosteronism, seizures, and neurologic abnormalities. Identifiers: Orphanet 369929, MedGen C3809609, MONDO:0014200, OMIM 615474.

gnomAD v4.1: 1 of 1,613,506 alleles (0.000062%); highest among the groups gnomAD compares: Non-Finnish European, 0.000085%; no homozygotes.

Submission:

Illumina Laboratory Services, Illumina
Classification: Uncertain significance for Aldosterone-producing adenoma with seizures and neurological abnormalities. Last evaluated: 2024-09-12. Review status: criteria provided, single submitter. Criteria: ISL SNV Classification Criteria 03 February 2026. Collection method: clinical testing. Allele origin: unknown.
Comment: The CACNA1D c.4015C>T p.(Arg1339Cys) missense variant has not, to our knowledge, been reported in the peer-reviewed literature. This variant is not observed at a significant frequency in version 2.1.1 or version 4.1.0 of the Genome Aggregation Database. Multiple lines of computational evidence suggest the variant may impact the gene or gene product. Based on the available evidence, the c.4015C>T p.(Arg1339Cys) variant is classified as a variant of uncertain significance for CACNA1D-related neurodevelopmental and endocrine disorders.

Literature cited by the submitters: PubMed 33985586; PubMed 32583268.